The following is an entry in ClinVar:

NM_000112.4(SLC26A2):c.568A>G (p.Ser190Gly)

Gene: SLC26A2 (solute carrier family 26 member 2; plus strand). Cytogenetic location: 5q32.
Variant type: single nucleotide variant.
Coding change: c.568A>G on transcript NM_000112.4 (MANE Select); coding-DNA position 568, A replaced by G.
Protein change: p.Ser190Gly; replaces serine 190 with glycine.
Molecular consequence: missense variant.
Genome position (GRCh38, 1-based): chr5:149,978,220, A>G. VCF-style: chr5-149978220-A-G. GRCh37 (hg19) VCF-style: chr5-149357783-A-G.
Other names: short protein forms S190G.
Identifiers: ClinVar variation 2416250 (VCV002416250.7), dbSNP rs760309344, ClinGen allele CA361705263.

ClinVar aggregate classification (germline): Uncertain significance (1 of 4 stars; one submission).

Conditions:
Achondrogenesis, type IB (ACG1B). Also called: Achondrogenesis Type 1B. Identifiers: Orphanet 932, Orphanet 93298, MedGen C0265274, MONDO:0010966, OMIM 600972.
Atelosteogenesis type II (AO2). Also called: NEONATAL OSSEOUS DYSPLASIA I; SLC26A2-Related Atelosteogenesis; Neonatal osseous dysplasia 1. Identifiers: Orphanet 56304, MedGen C1850554, MONDO:0009727, OMIM 256050.
Diastrophic dysplasia (DTD). Also called: Diastrophic dwarfism. Identifiers: Orphanet 628, MedGen C0220726, MONDO:0009107, OMIM 222600.
Multiple epiphyseal dysplasia type 4 (EDM4). Also called: SLC26A2-Related Multiple Epiphyseal Dysplasia; Multiple Epiphyseal Dysplasia, Recessive; MULTIPLE EPIPHYSEAL DYSPLASIA WITH BILAYERED PATELLAE; MULTIPLE EPIPHYSEAL DYSPLASIA WITH CLUBFOOT; MULTIPLE EPIPHYSEAL DYSPLASIA, AUTOSOMAL RECESSIVE. Identifiers: Orphanet 93307, MedGen C1847593, MONDO:0009189, OMIM 226900.

Allele frequency attached by ClinVar (database versions not stated): gnomAD 0.00001; TOPMed 0.00001.
gnomAD v4.1: 17 of 1,614,032 alleles (0.0011%); highest among the groups gnomAD compares: Admixed American, 0.0017%; no homozygotes.

Submission:

Labcorp Genetics (formerly Invitae), Labcorp
Classification: Uncertain significance for Atelosteogenesis type II; Multiple epiphyseal dysplasia type 4; Achondrogenesis, type IB; Diastrophic dysplasia. Last evaluated: 2022-07-28. Review status: criteria provided, single submitter. Criteria: Invitae Variant Classification Sherloc (09022015). Collection method: clinical testing. Allele origin: germline.
Comment: This sequence change replaces serine, which is neutral and polar, with glycine, which is neutral and non-polar, at codon 190 of the SLC26A2 protein (p.Ser190Gly). In summary, the available evidence is currently insufficient to determine the role of this variant in disease. Therefore, it has been classified as a Variant of Uncertain Significance. Advanced modeling of protein sequence and biophysical properties (such as structural, functional, and spatial information, amino acid conservation, physicochemical variation, residue mobility, and thermodynamic stability) performed at Invitae indicates that this missense variant is not expected to disrupt SLC26A2 protein function. This variant has not been reported in the literature in individuals affected with SLC26A2-related conditions. This variant is present in population databases (no rsID available, gnomAD 0.003%).